The following is an entry in ClinVar:

ClinVar aggregate classification (germline): Benign/Likely benign. Review status: criteria provided, multiple submitters, no conflicts (2 of 4 stars). 15 submissions from 15 submitters: Benign (8); Likely benign (1). 6 of the submissions do not count toward it. Last evaluated 2026-02-04.

Conditions:
Spinal muscular atrophy (SMA). Identifiers: MedGen C0026847, MeSH D009134, MONDO:0001516, HP:0007269.
Mitochondrial DNA depletion syndrome 1. Also called: Mitochondrial neurogastrointestinal encephalomyopathy syndrome; POLIP SYNDROME; POLYNEUROPATHY, OPHTHALMOPLEGIA, LEUKOENCEPHALOPATHY, AND INTESTINAL PSEUDOOBSTRUCTION; Mitochondrial Neurogastrointestinal Encephalopathy Disease; MITOCHONDRIAL NEUROGASTROINTESTINAL ENCEPHALOPATHY SYNDROME, TYMP-RELATED; MNGIE, TYMP-RELATED. Identifiers: Orphanet 298, MedGen C4551995, MONDO:0011283, OMIM 603041.

Allele frequency attached by ClinVar (database versions not stated): ESP Exome Variant Server 0.06836; gnomAD 0.09354; TOPMed 0.09067; 1000 Genomes Project 0.14277; 1000 Genomes Project 30x 0.13538.
gnomAD v4.1: 160,210 of 1,610,390 alleles (9.9%); highest among the groups gnomAD compares: East Asian, 24%; 9,556 homozygotes.

Submissions (15):

Labcorp Genetics (formerly Invitae), Labcorp
Classification: Benign. Last evaluated: 2026-02-04. Review status: criteria provided, single submitter. Criteria: Invitae Variant Classification Sherloc (09022015). Collection method: clinical testing. Allele origin: germline.

Blueprint Genetics
Classification: Likely benign. Last evaluated: 2024-11-28. Review status: criteria provided, single submitter. Criteria: ACMG Guidelines, 2015. Collection method: clinical testing. Allele origin: germline.

ARUP Laboratories, Molecular Genetics and Genomics, ARUP Laboratories
Classification: Benign. Last evaluated: 2023-11-29. Review status: criteria provided, single submitter. Criteria: ARUP Molecular Germline Variant Investigation Process 2024. Collection method: clinical testing. Allele origin: germline.

Genome-Nilou Lab
Classification: Benign for Mitochondrial DNA depletion syndrome 1. Last evaluated: 2021-07-10. Review status: criteria provided, single submitter. Criteria: ACMG Guidelines, 2015. Collection method: clinical testing. Allele origin: germline. Affected: no.

Athena Diagnostics
Classification: Benign. Last evaluated: 2018-07-10. Review status: criteria provided, single submitter. Criteria: Athena Diagnostics Criteria. Collection method: clinical testing. Allele origin: germline.

Illumina Laboratory Services, Illumina
Classification: Benign for Mitochondrial DNA depletion syndrome 1. Last evaluated: 2018-03-06. Review status: criteria provided, single submitter. Criteria: ICSL Variant Classification Criteria 13 December 2019. Collection method: clinical testing. Allele origin: germline.
Comment: This variant was observed in the ICSL laboratory as part of a predisposition screen in an ostensibly healthy population. It had not been previously curated by ICSL or reported in the Human Gene Mutation Database (HGMD: prior to June 1st, 2018), and was therefore a candidate for classification through an automated scoring system. Utilizing variant allele frequency, disease prevalence and penetrance estimates, and inheritance mode, an automated score was calculated to assess if this variant is too frequent to cause the disease. Based on the score and internal cut-off values, a variant classified as benign is not then subjected to further curation. The score for this variant resulted in a classification of benign for this disease.

GeneDx
Classification: Benign. Last evaluated: 2011-07-07. Review status: criteria provided, single submitter. Criteria: GeneDx Variant Classification (06012015). Collection method: clinical testing. Allele origin: germline. Affected: yes.
Comment: This variant is considered likely benign or benign based on one or more of the following criteria: it is a conservative change, it occurs at a poorly conserved position in the protein, it is predicted to be benign by multiple in silico algorithms, and/or has population frequency not consistent with disease.

Breakthrough Genomics
Classification: Benign. Review status: criteria provided, single submitter. Criteria: ACMG Guidelines, 2015. Collection method: not provided. Allele origin: germline. Inheritance: Autosomal recessive inheritance. Affected: yes.

PreventionGenetics, part of Exact Sciences
Classification: Benign. Review status: criteria provided, single submitter. Criteria: ACMG Guidelines, 2015. Collection method: clinical testing. Allele origin: germline.

Natera, Inc.
Classification: Benign for Spinal muscular atrophy. Last evaluated: 2020-09-16. Review status: no assertion criteria provided. Collection method: clinical testing. Allele origin: germline. Not counted in ClinVar's aggregate classification.

Mayo Clinic Laboratories, Mayo Clinic
Classification: Benign. Last evaluated: 2016-02-23. Review status: no assertion criteria provided. Collection method: clinical testing. Allele origin: unknown. Not counted in ClinVar's aggregate classification.

GeneReviews
Classification: Benign for Mitochondrial DNA depletion syndrome 1. Last evaluated: 2016-01-14. Review status: no assertion criteria provided. Collection method: literature only. Allele origin: germline. Affected: yes. Not counted in ClinVar's aggregate classification.

Diagnostic Laboratory, Department of Genetics, University Medical Center Groningen
Classification: Benign. Review status: no assertion criteria provided. Collection method: clinical testing. Allele origin: germline. Affected: yes. Study: VKGL Data-share Consensus. Not counted in ClinVar's aggregate classification.

Genetic Services Laboratory, University of Chicago
Classification: Likely benign for AllHighlyPenetrant. Review status: no assertion criteria provided. Collection method: clinical testing. Allele origin: germline. Inheritance: Autosomal recessive inheritance. Not counted in ClinVar's aggregate classification.
Comment: Likely benign based on allele frequency in 1000 Genomes Project or ESP global frequency and its presence in a patient with a rare or unrelated disease phenotype. NOT Sanger confirmed.

Genome Diagnostics Laboratory, University Medical Center Utrecht
Classification: Likely benign. Review status: no assertion criteria provided. Collection method: clinical testing. Allele origin: germline. Affected: yes. Study: VKGL Data-share Consensus. Not counted in ClinVar's aggregate classification.

Literature cited by the submitters: PubMed 2005900 (cited by GeneReviews).

NM_001953.5(TYMP):c.1412C>T (p.Ser471Leu)

Genes: SCO2 (synthesis of cytochrome C oxidase 2; minus strand), TYMP (thymidine phosphorylase; minus strand), LOC130067862 (ATAC-STARR-seq lymphoblastoid silent region 13986; plus strand). Cytogenetic location: 22q13.33.
Variant type: single nucleotide variant.
Coding change: c.1412C>T on transcript NM_001953.5 (MANE Select); coding-DNA position 1412, C replaced by T.
Protein change: p.Ser471Leu; replaces serine 471 with leucine.
Molecular consequence: missense variant. On other transcripts: intron variant (2).
Genome position (GRCh38, 1-based): chr22:50,525,807, G>A on the plus strand (C>T on the coding strand, the complement: TYMP is on the minus strand). VCF-style: chr22-50525807-G-A. GRCh37 (hg19) VCF-style: chr22-50964236-G-A.
Other names: p.S471L:TCG>TTG; Ser>Leu; c.-14+439C>T (NM_001169109.2); c.-14+194C>T (NM_001169110.1); c.1412C>T, p.Ser471Leu (NM_001113755.3, NM_001113756.3, NM_001257988.1); c.1427C>T, p.Ser476Leu (NM_001257989.1); short protein forms S471L, S476L.
Identifiers: ClinVar variation 130693 (VCV000130693.37), dbSNP rs11479, ClinGen allele CA289128.